The following is an entry in ClinVar:

NM_024642.5(GALNT12):c.1470C>T (p.Tyr490=)

Gene: GALNT12 (polypeptide N-acetylgalactosaminyltransferase 12; plus strand). Cytogenetic location: 9q22.33.
Variant type: single nucleotide variant.
Coding change: c.1470C>T on transcript NM_024642.5 (MANE Select); coding-DNA position 1470, C replaced by T.
Protein change: p.Tyr490=; no amino-acid change (tyrosine 490 retained).
Molecular consequence: synonymous variant.
Genome position (GRCh38, 1-based): chr9:98,845,988, C>T. VCF-style: chr9-98845988-C-T. GRCh37 (hg19) VCF-style: chr9-101608270-C-T.
Other names: c.1470C>T (NM_024642.4).
Identifiers: ClinVar variation 1925710 (VCV001925710.7), dbSNP rs774034115, ClinGen allele CA5154296.

ClinVar aggregate classification (germline): Benign/Likely benign. Review status: criteria provided, multiple submitters, no conflicts (2 of 4 stars). 3 submissions from 3 submitters: Benign (1); Likely benign (2). Last evaluated 2026-04-27.

Conditions:
Colorectal cancer, susceptibility to, 1. Also called: COLORECTAL ADENOMA AND CANCER, SUSCEPTIBILITY TO; COLORECTAL CANCER, SUSCEPTIBILITY TO, ON CHROMOSOME 9. Identifiers: MedGen C1837315, MONDO:0012132, OMIM 608812.

Allele frequency attached by ClinVar (database versions not stated): gnomAD exomes below 0.00001; ExAC 0.00001.
gnomAD v4.1: 1 of 1,614,158 alleles (0.000062%); highest among the groups gnomAD compares: Admixed American, 0.0017%; no homozygotes.

Submissions (3):

Myriad Genetics, Inc.
Classification: Benign for Colorectal cancer, susceptibility to, 1. Last evaluated: 2026-04-27. Review status: criteria provided, single submitter. Criteria: Myriad Autosomal Dominant, Autosomal Recessive and X-Linked Classification Criteria (2023). Collection method: clinical testing. Allele origin: unknown.
Comment: This variant is considered benign. This variant is a silent/synonymous amino acid change and it is not expected to impact splicing.

Ambry Genetics
Classification: Likely benign. Last evaluated: 2023-12-31. Review status: criteria provided, single submitter. Criteria: Ambry Variant Classification Scheme 2023. Collection method: clinical testing. Allele origin: germline.

Labcorp Genetics (formerly Invitae), Labcorp
Classification: Likely benign. Last evaluated: 2022-04-16. Review status: criteria provided, single submitter. Criteria: Invitae Variant Classification Sherloc (09022015). Collection method: clinical testing. Allele origin: germline.